The following is an entry in ClinVar:

ClinVar aggregate classification (germline): Likely pathogenic. Review status: criteria provided, single submitter (1 of 4 stars). 2 submissions from 2 submitters: Likely pathogenic (1). 1 of the submissions does not count toward it. Last evaluated 2023-10-01.

Submissions (2):

CeGaT Center for Human Genetics Tuebingen
Classification: Likely pathogenic. Last evaluated: 2023-10-01. Review status: criteria provided, single submitter. Criteria: CeGaT Center For Human Genetics Tuebingen Variant Classification Criteria Version 2. Collection method: clinical testing. Allele origin: germline. Affected: yes. Observed: 1 variant allele.
Comment: OTC: PM1, PM2, PM5, PP4, PS4:Supporting

GenMed Metabolism Lab
Classification: Pathogenic. Review status: no assertion criteria provided. Collection method: not provided. Allele origin: unknown. Not counted in ClinVar's aggregate classification.
Comment: p.Pro220Leu, Neonatal,
ClinVar note: Converted during submission from pathogenic to Pathogenic.

NM_000531.6(OTC):c.659C>T (p.Pro220Leu)

Gene: OTC (ornithine transcarbamylase; plus strand). Cytogenetic location: Xp11.4.
Variant type: single nucleotide variant.
Coding change: c.659C>T on transcript NM_000531.6 (MANE Select); coding-DNA position 659, C replaced by T.
Protein change: p.Pro220Leu; replaces proline 220 with leucine.
Molecular consequence: missense variant.
Genome position (GRCh38, 1-based): chrX:38,403,736, C>T. VCF-style: chrX-38403736-C-T. GRCh37 (hg19) VCF-style: chrX-38262989-C-T.
Other names: short protein forms P220L.
Identifiers: ClinVar variation 97282 (VCV000097282.26), dbSNP rs72558426, ClinGen allele CA224728.